The following is an entry in ClinVar:

NM_007074.4(CORO1A):c.958G>A (p.Gly320Ser)

Gene: CORO1A (coronin 1A; plus strand). Cytogenetic location: 16p11.2.
Variant type: single nucleotide variant.
Coding change: c.958G>A on transcript NM_007074.4 (MANE Select); coding-DNA position 958, G replaced by A.
Protein change: p.Gly320Ser; replaces glycine 320 with serine.
Molecular consequence: missense variant.
Genome position (GRCh38, 1-based): chr16:30,188,038, G>A. VCF-style: chr16-30188038-G-A. GRCh37 (hg19) VCF-style: chr16-30199359-G-A.
Other names: c.958G>A, p.Gly320Ser (NM_001193333.3); short protein forms G320S.
Identifiers: ClinVar variation 1420789 (VCV001420789.6), dbSNP rs2151063251, ClinGen allele CA395497749.
Genomic context (GRCh38, chr16:30,188,038, plus strand): 5'-GAGGCCCCTTTCCTGCACTATCTCTCCATGTTCAGTTCCAAGGAGTCCCAGCGGGGCATG[G>A]GCTACATGCCCAAACGTGGCCTGGAGGTGAACAAGTGTGAGATCGCCAGGTGACTGACCC-3'
Protein context (NP_009005.1, residues 310-330): FSSKESQRGM[Gly320Ser]YMPKRGLEVN

ClinVar aggregate classification (germline): Uncertain significance (1 of 4 stars; one submission).

Conditions:
Severe combined immunodeficiency due to CORO1A deficiency. Also called: Immunodeficiency 8; IMMUNODEFICIENCY 8 WITH LYMPHOPROLIFERATION. Identifiers: Orphanet 228003, MedGen C3809383, MONDO:0014168, OMIM 615401.

Submission:

Labcorp Genetics (formerly Invitae), Labcorp
Classification: Uncertain significance for Severe combined immunodeficiency due to CORO1A deficiency. Last evaluated: 2021-08-27. Review status: criteria provided, single submitter. Criteria: Invitae Variant Classification Sherloc (09022015). Collection method: clinical testing. Allele origin: germline.
Comment: In summary, the available evidence is currently insufficient to determine the role of this variant in disease. Therefore, it has been classified as a Variant of Uncertain Significance. Algorithms developed to predict the effect of missense changes on protein structure and function are either unavailable or do not agree on the potential impact of this missense change (SIFT: "Tolerated"; PolyPhen-2: "Possibly Damaging"; Align-GVGD: "Class C0"). This variant has not been reported in the literature in individuals affected with CORO1A-related conditions. This variant is not present in population databases (ExAC no frequency). This sequence change replaces glycine with serine at codon 320 of the CORO1A protein (p.Gly320Ser). The glycine residue is highly conserved and there is a small physicochemical difference between glycine and serine.